The following is an entry in ClinVar:

NM_203486.3(DLL3):c.425T>A (p.Leu142Gln)

Genes: DLL3 (delta like canonical Notch ligand 3; plus strand), LOC130064417 (ATAC-STARR-seq lymphoblastoid silent region 10608; plus strand). Cytogenetic location: 19q13.2.
Variant type: single nucleotide variant.
Coding change: c.425T>A on transcript NM_203486.3 (MANE Select); coding-DNA position 425, T replaced by A.
Protein change: p.Leu142Gln; replaces leucine 142 with glutamine.
Molecular consequence: missense variant.
Genome position (GRCh38, 1-based): chr19:39,502,830, T>A. VCF-style: chr19-39502830-T-A. GRCh37 (hg19) VCF-style: chr19-39993470-T-A.
Other names: c.425T>A, p.Leu142Gln (NM_016941.4); short protein forms L142Q.
Identifiers: ClinVar variation 41377 (VCV000041377.36), dbSNP rs55741253, ClinGen allele CA344407.
Genomic context (GRCh38, chr19:39,502,830, plus strand): 5'-TCGGCCGGGCCCACCCCAGCACCCCTCCTTTGCCTGTCCTCGCAGGGCCCGCCTGGAGCC[T>A]GCTGGCGCGCGTGGCTGGCAGGCGGCGCTTGGCAGCCGGAGGCCCGTGGGCCCGGGACAT-3'
Protein context (NP_982353.1, residues 132-152): GDQIGGPAWS[Leu142Gln]LARVAGRRRL

ClinVar aggregate classification (germline): Benign/Likely benign. Review status: criteria provided, multiple submitters, no conflicts (2 of 4 stars). 9 submissions from 8 submitters: Benign (8); Likely benign (1). Last evaluated 2026-02-04.

Conditions:
Syndactyly. Also called: Webbed fingers or toes. Identifiers: MedGen C0039075, MONDO:0021002, HP:0001159.
Spondylocostal dysostosis 1, autosomal recessive (SCDO1). Also called: DLL3-Related Spondylocostal Dysostosis, Autosomal Recessive. Identifiers: Orphanet 2311, MedGen CN032975, MONDO:0020692, OMIM 277300.

Allele frequency attached by ClinVar (database versions not stated): 1000 Genomes Project 30x 0.04185; gnomAD exomes 0.05794; ESP Exome Variant Server 0.05836; gnomAD 0.06471 and 0.06752; TOPMed 0.06699; ExAC 0.11539; 1000 Genomes Project 0.03974.
gnomAD v4.1: 109,096 of 1,421,728 alleles (7.7%); highest among the groups gnomAD compares: Non-Finnish European, 8.8%; 4,802 homozygotes.

Submissions (9):

Labcorp Genetics (formerly Invitae), Labcorp
Classification: Benign. Last evaluated: 2026-02-04. Review status: criteria provided, single submitter. Criteria: Invitae Variant Classification Sherloc (09022015). Collection method: clinical testing. Allele origin: germline.

ARUP Laboratories, Molecular Genetics and Genomics, ARUP Laboratories
Classification: Benign for Spondylocostal dysostosis 1, autosomal recessive. Last evaluated: 2025-05-23. Review status: criteria provided, single submitter. Criteria: ARUP Molecular Germline Variant Investigation Process 2024. Collection method: clinical testing. Allele origin: germline.

Fulgent Genetics
Classification: Likely benign for Spondylocostal dysostosis 1, autosomal recessive. Last evaluated: 2021-10-25. Review status: criteria provided, single submitter. Criteria: ACMG Guidelines, 2015. Collection method: clinical testing. Allele origin: unknown.

Illumina Laboratory Services, Illumina
Classification: Benign for Non-syndromic syndactyly. Last evaluated: 2018-01-13. Review status: criteria provided, single submitter. Criteria: ICSL Variant Classification Criteria 13 December 2019. Collection method: clinical testing. Allele origin: germline.
Comment: This variant was observed in the ICSL laboratory as part of a predisposition screen in an ostensibly healthy population. It had not been previously curated by ICSL or reported in the Human Gene Mutation Database (HGMD: prior to June 1st, 2018), and was therefore a candidate for classification through an automated scoring system. Utilizing variant allele frequency, disease prevalence and penetrance estimates, and inheritance mode, an automated score was calculated to assess if this variant is too frequent to cause the disease. Based on the score and internal cut-off values, a variant classified as benign is not then subjected to further curation. The score for this variant resulted in a classification of benign for this disease.

Illumina Laboratory Services, Illumina
Classification: Benign for Spondylocostal dysostosis 1, autosomal recessive. Last evaluated: 2018-01-13. Review status: criteria provided, single submitter. Criteria: ICSL Variant Classification Criteria 13 December 2019. Collection method: clinical testing. Allele origin: germline.
Comment: the same text as in the submission from Illumina Laboratory Services, Illumina above.

Eurofins Ntd Llc (ga)
Classification: Benign. Last evaluated: 2016-10-03. Review status: criteria provided, single submitter. Criteria: EGL Classification Definitions 2015. Collection method: clinical testing. Allele origin: germline. Observed: 1 variant allele, 1 heterozygote.

GeneDx
Classification: Benign. Last evaluated: 2016-03-03. Review status: criteria provided, single submitter. Criteria: GeneDx Variant Classification (06012015). Collection method: clinical testing. Allele origin: germline. Affected: yes.
Comment: This variant is considered likely benign or benign based on one or more of the following criteria: it is a conservative change, it occurs at a poorly conserved position in the protein, it is predicted to be benign by multiple in silico algorithms, and/or has population frequency not consistent with disease.

Breakthrough Genomics
Classification: Benign. Review status: criteria provided, single submitter. Criteria: ACMG Guidelines, 2015. Collection method: not provided. Allele origin: germline. Inheritance: Autosomal recessive inheritance. Affected: yes.

PreventionGenetics, part of Exact Sciences
Classification: Benign. Review status: criteria provided, single submitter. Criteria: ACMG Guidelines, 2015. Collection method: clinical testing. Allele origin: germline.